The following is an entry in ClinVar:

ClinVar aggregate classification (germline): Uncertain significance (1 of 4 stars; one submission).

Conditions:
Primary dilated cardiomyopathy (DCM). Also called: Dilated Cardiomyopathy. Identifiers: Orphanet 217604, MedGen C0007193, MeSH D002311, MONDO:0005021, HP:0001644. Inheritance: Various modes of inheritance.
Hypertrophic cardiomyopathy. Also called: HYPERTROPHIC MYOCARDIOPATHY. Identifiers: Orphanet 217569, MedGen C0007194, MeSH D002312, MONDO:0005045, HP:0001639.

Allele frequency attached by ClinVar (database versions not stated): gnomAD 0.00001; gnomAD exomes 0.00001; ExAC 0.00003.
gnomAD v4.1: 10 of 1,613,976 alleles (0.00062%); highest among the groups gnomAD compares: South Asian, 0.0033%; no homozygotes.

Submission:

Labcorp Genetics (formerly Invitae), Labcorp
Classification: Uncertain significance for Hypertrophic cardiomyopathy; Primary dilated cardiomyopathy. Last evaluated: 2024-12-11. Review status: criteria provided, single submitter. Criteria: Invitae Variant Classification Sherloc (09022015). Collection method: clinical testing. Allele origin: germline.
Comment: This sequence change replaces arginine, which is basic and polar, with glutamine, which is neutral and polar, at codon 272 of the PDLIM3 protein (p.Arg272Gln). This variant is present in population databases (rs767518283, gnomAD 0.006%). This variant has not been reported in the literature in individuals affected with PDLIM3-related conditions. ClinVar contains an entry for this variant (Variation ID: 2946542). Invitae Evidence Modeling of protein sequence and biophysical properties (such as structural, functional, and spatial information, amino acid conservation, physicochemical variation, residue mobility, and thermodynamic stability) indicates that this missense variant is not expected to disrupt PDLIM3 protein function with a negative predictive value of 80%. In summary, the available evidence is currently insufficient to determine the role of this variant in disease. Therefore, it has been classified as a Variant of Uncertain Significance.

NM_014476.6(PDLIM3):c.815G>A (p.Arg272Gln)

Gene: PDLIM3 (PDZ and LIM domain 3; minus strand). Cytogenetic location: 4q35.1.
Variant type: single nucleotide variant.
Coding change: c.815G>A on transcript NM_014476.6 (MANE Select); coding-DNA position 815, G replaced by A.
Protein change: p.Arg272Gln; replaces arginine 272 with glutamine.
Molecular consequence: missense variant. On other transcripts: non-coding transcript variant (1).
Genome position (GRCh38, 1-based): chr4:185,504,565, C>T on the plus strand (G>A on the coding strand, the complement: PDLIM3 is on the minus strand). VCF-style: chr4-185504565-C-T. GRCh37 (hg19) VCF-style: chr4-186425719-C-T.
Other names: c.671G>A, p.Arg224Gln (NM_001114107.5); c.551G>A, p.Arg184Gln (NM_001257962.2); c.314G>A, p.Arg105Gln (NM_001257963.2); short protein forms R105Q, R184Q, R224Q, R272Q.
Identifiers: ClinVar variation 2946542 (VCV002946542.3), dbSNP rs767518283, ClinGen allele CA3159677.